The following is an entry in ClinVar:

ClinVar aggregate classification (germline): Pathogenic/Likely pathogenic. Review status: criteria provided, multiple submitters, no conflicts (2 of 4 stars). 2 submissions from 2 submitters: Pathogenic (1); Likely pathogenic (1). Last evaluated 2025-10-21.

Conditions:
Usher syndrome type 2A. Also called: USHER SYNDROME, TYPE IIA; RETINAL DISEASE IN USHER SYNDROME TYPE IIA, MODIFIER OF. Identifiers: Orphanet 231178, Orphanet 886, MedGen C1848634, MONDO:0010169, OMIM 276901.

Submissions (2):

Labcorp Genetics (formerly Invitae), Labcorp
Classification: Pathogenic. Last evaluated: 2025-10-21. Review status: criteria provided, single submitter. Criteria: Invitae Variant Classification Sherloc (09022015). Collection method: clinical testing. Allele origin: germline.
Comment: This sequence change creates a premature translational stop signal (p.Cys3173*) in the USH2A gene. It is expected to result in an absent or disrupted protein product. Loss-of-function variants in USH2A are known to be pathogenic (PMID: 10729113, 10909849, 20507924, 25649381). Information on the frequency of this variant in the gnomAD database is not available, as this variant may be reported differently in the database. This premature translational stop signal has been observed in individual(s) with Usher syndrome (PMID: 28559085). ClinVar contains an entry for this variant (Variation ID: 1342912). For these reasons, this variant has been classified as Pathogenic.

Institute of Human Genetics, University of Leipzig Medical Center
Classification: Likely pathogenic for Usher syndrome type 2A. Last evaluated: 2022-02-02. Review status: criteria provided, single submitter. Criteria: ACMG Guidelines, 2015. Collection method: clinical testing. Allele origin: unknown. Affected: yes.
Comment: This variant was identified as compound heterozygous with NM_206933.4:c.828C>G._x000D_ Criteria applied: PVS1, PM2_SUP

Literature cited by the submitters: PubMed 10729113 (cited by Labcorp Genetics (formerly Invitae), Labcorp); PubMed 10909849 (cited by Labcorp Genetics (formerly Invitae), Labcorp); PubMed 20507924 (cited by Labcorp Genetics (formerly Invitae), Labcorp); PubMed 25649381 (cited by Labcorp Genetics (formerly Invitae), Labcorp); PubMed 28559085 (cited by Labcorp Genetics (formerly Invitae), Labcorp).

NM_206933.4(USH2A):c.9519_9520delinsAA (p.Cys3173_Gln3174delinsTer)

Gene: USH2A (usherin; minus strand). Cytogenetic location: 1q41.
Variant type: Indel.
Coding change: c.9519_9520delinsAA on transcript NM_206933.4 (MANE Select); coding-DNA positions 9519 to 9520, TC replaced by AA.
Protein change: p.Cys3173_Gln3174delinsTer.
Molecular consequence: nonsense.
Genome position (GRCh38, 1-based): chr1:215,817,047-215,817,048, GA replaced by TT on the plus strand (TC replaced by AA on the coding strand, the reverse complement: USH2A is on the minus strand). VCF-style: chr1-215817047-GA-TT. GRCh37 (hg19) VCF-style: chr1-215990389-GA-TT.
Identifiers: ClinVar variation 1342912 (VCV001342912.4), dbSNP rs2102796345, ClinGen allele CA2573051480.